The following is an entry in ClinVar:

ClinVar aggregate classification (germline): Uncertain significance (1 of 4 stars; one submission).

Allele frequency attached by ClinVar (database versions not stated): TOPMed 0.00002; ExAC 0.00004.
gnomAD v4.1: 33 of 1,613,342 alleles (0.002%); highest among the groups gnomAD compares: South Asian, 0.02%; no homozygotes.

Submission:

CeGaT Center for Human Genetics Tuebingen
Classification: Uncertain significance. Last evaluated: 2023-03-01. Review status: criteria provided, single submitter. Criteria: CeGaT Center For Human Genetics Tuebingen Variant Classification Criteria Version 2. Collection method: clinical testing. Allele origin: germline. Affected: yes. Observed: 1 variant allele.
Comment: CHD1: PP2

NM_001270.4(CHD1):c.5102C>T (p.Pro1701Leu)

Gene: CHD1 (chromodomain helicase DNA binding protein 1; minus strand). Cytogenetic location: 5q15.
Variant type: single nucleotide variant.
Coding change: c.5102C>T on transcript NM_001270.4 (MANE Select); coding-DNA position 5102, C replaced by T.
Protein change: p.Pro1701Leu; replaces proline 1701 with leucine.
Molecular consequence: missense variant. On other transcripts: non-coding transcript variant (2).
Genome position (GRCh38, 1-based): chr5:98,856,411, G>A on the plus strand (C>T on the coding strand, the complement: CHD1 is on the minus strand). VCF-style: chr5-98856411-G-A. GRCh37 (hg19) VCF-style: chr5-98192115-G-A.
Other names: c.5366C>T, p.Pro1789Leu (NM_001364113.3); c.5102C>T, p.Pro1701Leu (NM_001376194.2); short protein forms P1701L, P1789L.
Identifiers: ClinVar variation 2655602 (VCV002655602.24), dbSNP rs755428560, ClinGen allele CA3355502.